The following is an entry in ClinVar:

NM_007186.6(CEP250):c.6691G>C (p.Gly2231Arg)

Gene: CEP250 (centrosomal protein 250; plus strand). Cytogenetic location: 20q11.22.
Variant type: single nucleotide variant.
Coding change: c.6691G>C on transcript NM_007186.6 (MANE Select); coding-DNA position 6691, G replaced by C.
Protein change: p.Gly2231Arg; replaces glycine 2231 with arginine.
Molecular consequence: missense variant.
Genome position (GRCh38, 1-based): chr20:35,507,792, G>C. VCF-style: chr20-35507792-G-C. GRCh37 (hg19) VCF-style: chr20-34095621-G-C.
Other names: c.6691G>C (NM_007186.3); c.4795G>C, p.Gly1599Arg (NM_001318219.1); short protein forms G2231R, G1599R.
Identifiers: ClinVar variation 962788 (VCV000962788.9), dbSNP rs747969822, ClinGen allele CA9834130.

ClinVar aggregate classification (germline): Uncertain significance. Review status: criteria provided, multiple submitters, no conflicts (2 of 4 stars). 3 submissions from 3 submitters: Uncertain significance (3). Last evaluated 2023-12-11.

Allele frequency attached by ClinVar (database versions not stated): gnomAD exomes below 0.00001 and 0.00001; gnomAD 0.00001; TOPMed 0.00002; ExAC 0.00008.
gnomAD v4.1: 13 of 1,568,880 alleles (0.00083%); highest among the groups gnomAD compares: East Asian, 0.0095%; no homozygotes.

Submissions (3):

Ambry Genetics
Classification: Uncertain significance. Last evaluated: 2023-12-11. Review status: criteria provided, single submitter. Criteria: Ambry Variant Classification Scheme 2023. Collection method: clinical testing. Allele origin: germline.

Labcorp Genetics (formerly Invitae), Labcorp
Classification: Uncertain significance. Last evaluated: 2022-09-13. Review status: criteria provided, single submitter. Criteria: Invitae Variant Classification Sherloc (09022015). Collection method: clinical testing. Allele origin: germline.
Comment: This sequence change replaces glycine, which is neutral and non-polar, with arginine, which is basic and polar, at codon 2231 of the CEP250 protein (p.Gly2231Arg). This variant is present in population databases (rs747969822, gnomAD 0.02%). This variant has not been reported in the literature in individuals affected with CEP250-related conditions. ClinVar contains an entry for this variant (Variation ID: 962788). Algorithms developed to predict the effect of missense changes on protein structure and function output the following: SIFT: "Not Available"; PolyPhen-2: "Benign"; Align-GVGD: "Not Available". The arginine amino acid residue is found in multiple mammalian species, which suggests that this missense change does not adversely affect protein function. Algorithms developed to predict the effect of sequence changes on RNA splicing suggest that this variant may disrupt the consensus splice site. In summary, the available evidence is currently insufficient to determine the role of this variant in disease. Therefore, it has been classified as a Variant of Uncertain Significance.

Blueprint Genetics
Classification: Uncertain significance. Last evaluated: 2022-06-03. Review status: criteria provided, single submitter. Criteria: ACMG Guidelines, 2015. Collection method: clinical testing. Allele origin: germline.